The following is an entry in ClinVar:

NM_000214.3(JAG1):c.590A>G (p.Asn197Ser)

Gene: JAG1 (jagged canonical Notch ligand 1; minus strand). Cytogenetic location: 20p12.2.
Variant type: single nucleotide variant.
Coding change: c.590A>G on transcript NM_000214.3 (MANE Select); coding-DNA position 590, A replaced by G.
Protein change: p.Asn197Ser; replaces asparagine 197 with serine.
Molecular consequence: missense variant.
Genome position (GRCh38, 1-based): chr20:10,658,572, T>C on the plus strand (A>G on the coding strand, the complement: JAG1 is on the minus strand). VCF-style: chr20-10658572-T-C. GRCh37 (hg19) VCF-style: chr20-10639220-T-C.
Other names: short protein forms N197S.
Identifiers: ClinVar variation 1493880 (VCV001493880.10), dbSNP rs2122623617, ClinGen allele CA408240148.

ClinVar aggregate classification (germline): Uncertain significance (1 of 4 stars; one submission).

Conditions:
Alagille syndrome due to a JAG1 point mutation. Also called: Alagille Syndrome 1; HEPATIC DUCTULAR HYPOPLASIA, SYNDROMATIC; JAG1-Related Alagille Syndrome. Identifiers: Orphanet 261619, Orphanet 52, MedGen C1956125, MONDO:0016862, OMIM 118450.

Allele frequency attached by ClinVar (database versions not stated): gnomAD exomes below 0.00001.
gnomAD v4.1: 2 of 1,614,232 alleles (0.00012%); highest among the groups gnomAD compares: Non-Finnish European, 0.00017%; no homozygotes.

Submissions (2):

Labcorp Genetics (formerly Invitae), Labcorp
Classification: Uncertain significance for Alagille syndrome due to a JAG1 point mutation. Last evaluated: 2024-12-02. Review status: criteria provided, single submitter. Criteria: Invitae Variant Classification Sherloc (09022015). Collection method: clinical testing. Allele origin: germline.
Comment: This sequence change replaces asparagine, which is neutral and polar, with serine, which is neutral and polar, at codon 197 of the JAG1 protein (p.Asn197Ser). This variant is not present in population databases (gnomAD no frequency). This variant has not been reported in the literature in individuals affected with JAG1-related conditions. ClinVar contains an entry for this variant (Variation ID: 1493880). Invitae Evidence Modeling of protein sequence and biophysical properties (such as structural, functional, and spatial information, amino acid conservation, physicochemical variation, residue mobility, and thermodynamic stability) indicates that this missense variant is not expected to disrupt JAG1 protein function with a negative predictive value of 80%. In summary, the available evidence is currently insufficient to determine the role of this variant in disease. Therefore, it has been classified as a Variant of Uncertain Significance.

Gilbert/Spinner Lab, Children's Hospital of Philadelphia
No classification provided (evidence only). Condition: Alagille syndrome. Review status: no classification provided. Collection method: research. Allele origin: not applicable. Functional consequence: functionally_abnormal. Not counted in ClinVar's aggregate classification.
ClinVar note: "not provided" was previously submitted as the classification for the variant. However, the classification appeared to be based only on an observation of functional data so it was converted to no classification on 2025-07-30.